The following is an entry in ClinVar:

ClinVar aggregate classification (germline): Likely pathogenic. Review status: criteria provided, single submitter (1 of 4 stars). 2 submissions from 2 submitters: Likely pathogenic (1). 1 of the submissions does not count toward it.

Conditions:
Dilated cardiomyopathy 1G (CMD1G). Identifiers: Orphanet 154, MedGen C1858763, MONDO:0011400, OMIM 604145.

Submissions (2):

Juno Genomics, Hangzhou Juno Genomics, Inc
Classification: Likely pathogenic for Dilated cardiomyopathy 1G. Review status: criteria provided, single submitter. Criteria: ACMG Guidelines, 2015. Collection method: clinical testing. Allele origin: germline.
Comment: Absent from controls (or at extremely low frequency if recessive) in Genome Aggregation Database.;Null variant in a gene where loss of function (LOF) is a known mechanism of disease.

KTest Genetics, KTest
Classification: Pathogenic for Dilated cardiomyopathy 1G. Review status: no assertion criteria provided. Criteria: ACMG Guidelines, 2015. Collection method: clinical testing. Allele origin: germline. Affected: yes. Not counted in ClinVar's aggregate classification.

NM_001267550.2(TTN):c.104974_104995dup (p.Leu34999fs)

Genes: TTN (titin; minus strand), TTN-AS1 (TTN antisense RNA 1; plus strand). Cytogenetic location: 2q31.2.
Variant type: Duplication.
Coding change: c.104974_104995dup on transcript NM_001267550.2 (MANE Select); coding-DNA positions 104974 to 104995, 22 bases duplicated (AACACGAGTGGAGTCCTCACCC).
Protein change: p.Leu34999fs; shifts the reading frame from leucine 34999.
Molecular consequence: frameshift variant.
Genome position (GRCh38, 1-based): chr2:178,531,620-178,531,641, GGGTGAGGACTCCACTCGTGTT duplicated on the plus strand (AACACGAGTGGAGTCCTCACCC on the coding strand, the reverse complement: TTN is on the minus strand); duplicating any 22 consecutive bases within chr2:178,531,620-178,531,643 gives the same sequence; the c. name uses the placement nearest the transcript's 3' end. VCF-style (leftmost placement, unchanged base first): chr2-178531619-A-AGGGTGAGGACTCCACTCGTGTT. GRCh37 (hg19) VCF-style: chr2-179396346-A-AGGGTGAGGACTCCACTCGTGTT.
Other names: c.100051_100072dup, p.Leu33358fs (NM_001256850.1); c.77779_77800dup, p.Leu25934fs (NM_003319.4); c.97270_97291dup, p.Leu32431fs (NM_133378.4); c.78154_78175dup, p.Leu26059fs (NM_133432.3); c.78355_78376dup, p.Leu26126fs (NM_133437.4); short protein forms L25934fs, L26059fs, L26126fs, L32431fs, L33358fs, L34999fs.
Identifiers: ClinVar variation 1012349 (VCV001012349.5), dbSNP rs2154133662, ClinGen allele CA2499215274.